The following is an entry in ClinVar:

NM_005902.4(SMAD3):c.1065G>A (p.Ser355=)

Gene: SMAD3 (SMAD family member 3; plus strand). Cytogenetic location: 15q22.33.
Variant type: single nucleotide variant.
Coding change: c.1065G>A on transcript NM_005902.4 (MANE Select); coding-DNA position 1065, G replaced by A.
Protein change: p.Ser355=; no amino-acid change (serine 355 retained).
Molecular consequence: synonymous variant.
Genome position (GRCh38, 1-based): chr15:67,187,420, G>A. VCF-style: chr15-67187420-G-A. GRCh37 (hg19) VCF-style: chr15-67479758-G-A.
Other names: c.750G>A, p.Ser250= (NM_001145102.2); c.933G>A, p.Ser311= (NM_001145103.2); c.480G>A, p.Ser160= (NM_001145104.2).
Identifiers: ClinVar variation 710406 (VCV000710406.17), dbSNP rs756181827, ClinGen allele CA061582.
Genomic context (GRCh38, chr15:67,187,420, plus strand): 5'-GGCAGGATGCAACCTGAAGATCTTCAACAACCAGGAGTTCGCTGCCCTCCTGGCCCAGTC[G>A]GTCAACCAGGGCTTTGAGGCTGTCTACCAGTTGACCCGAATGTGCACCATCCGCATGAGC-3'
Protein context (NP_005893.1, residues 345-365): NQEFAALLAQ[Ser355=]VNQGFEAVYQ

ClinVar aggregate classification (germline): Likely benign. Review status: criteria provided, multiple submitters, no conflicts (2 of 4 stars). 6 submissions from 6 submitters: Likely benign (5). 1 of the submissions does not count toward it. Last evaluated 2026-01-29.

Conditions:
SMAD3-related disorder. Also called: SMAD3-related condition.
Aneurysm-osteoarthritis syndrome. Also called: LOEYS-DIETZ SYNDROME WITH OSTEOARTHRITIS; SMAD3-Related Loeys-Dietz Syndrome; Loeys-Dietz syndrome, type 1C; ANEURYSMS-OSTEOARTHRITIS SYNDROME. Identifiers: Orphanet 284984, MedGen C3151087, MONDO:0013426, OMIM 613795.
Familial thoracic aortic aneurysm and aortic dissection (TAAD). Also called: Thoracic aortic aneurysms and dissections. Identifiers: Orphanet 91387, MedGen C4707243, MONDO:0019625.

Allele frequency attached by ClinVar (database versions not stated): gnomAD 0.00001 and 0.00002; ExAC 0.00002; TOPMed 0.00002.
gnomAD v4.1: 18 of 1,613,994 alleles (0.0011%); highest among the groups gnomAD compares: Admixed American, 0.0067%; no homozygotes.

Submissions (6):

Labcorp Genetics (formerly Invitae), Labcorp
Classification: Likely benign for Familial thoracic aortic aneurysm and aortic dissection. Last evaluated: 2026-01-29. Review status: criteria provided, single submitter. Criteria: Invitae Variant Classification Sherloc (09022015). Collection method: clinical testing. Allele origin: germline.

Blueprint Genetics
Classification: Likely benign. Last evaluated: 2024-10-28. Review status: criteria provided, single submitter. Criteria: ACMG Guidelines, 2015. Collection method: clinical testing. Allele origin: germline.

All of Us Research Program, National Institutes of Health
Classification: Likely benign for Aneurysm-osteoarthritis syndrome. Last evaluated: 2024-07-20. Review status: criteria provided, single submitter. Criteria: ACMG Guidelines, 2015. Collection method: clinical testing. Allele origin: germline. Inheritance: Autosomal dominant inheritance. Observed: 2 variant alleles, 2 heterozygotes.
Comment: This study involves interpretation of variants in research participants for the purpose of population health screening. Participant phenotype was not available at the time of variant classification. Additional details can be found in publication PMID: 35346344, PMCID: PMC8962531

Ambry Genetics
Classification: Likely benign for Familial thoracic aortic aneurysm and aortic dissection. Last evaluated: 2021-11-19. Review status: criteria provided, single submitter. Criteria: Ambry Variant Classification Scheme 2023. Collection method: clinical testing. Allele origin: germline.

Color Diagnostics, LLC DBA Color Health
Classification: Likely benign for Familial thoracic aortic aneurysm and aortic dissection. Last evaluated: 2018-11-27. Review status: criteria provided, single submitter. Criteria: ACMG Guidelines, 2015. Collection method: clinical testing. Allele origin: germline.

PreventionGenetics, part of Exact Sciences
Classification: Likely benign for SMAD3-related condition. Last evaluated: 2021-02-04. Review status: no assertion criteria provided. Collection method: clinical testing. Allele origin: germline. Not counted in ClinVar's aggregate classification.
Comment: This variant is classified as likely benign based on ACMG/AMP sequence variant interpretation guidelines (Richards et al. 2015 PMID: 25741868, with internal and published modifications).